The following is an entry in ClinVar:

NM_144992.5(VWA3B):c.271G>A (p.Glu91Lys)

Gene: VWA3B (von Willebrand factor A domain containing 3B; plus strand). Cytogenetic location: 2q11.2.
Variant type: single nucleotide variant.
Coding change: c.271G>A on transcript NM_144992.5 (MANE Select); coding-DNA position 271, G replaced by A.
Protein change: p.Glu91Lys; replaces glutamic acid 91 with lysine.
Molecular consequence: missense variant. On other transcripts: non-coding transcript variant (3).
Genome position (GRCh38, 1-based): chr2:98,115,726, G>A. VCF-style: chr2-98115726-G-A. GRCh37 (hg19) VCF-style: chr2-98732189-G-A.
Other names: short protein forms E91K.
Identifiers: ClinVar variation 3057038 (VCV003057038.6), dbSNP rs199632420, ClinGen allele CA1792158.

ClinVar aggregate classification (germline): Likely benign. Review status: criteria provided, single submitter (1 of 4 stars). 2 submissions from 2 submitters: Likely benign (1). 1 of the submissions does not count toward it. Last evaluated 2026-01-01.

Conditions:
VWA3B-related disorder. Also called: VWA3B-related condition.

Allele frequency attached by ClinVar (database versions not stated): gnomAD exomes 0.00021; TOPMed 0.00023; gnomAD 0.00027; ExAC 0.00037; ESP Exome Variant Server 0.00047.
gnomAD v4.1: 371 of 1,613,210 alleles (0.023%); highest among the groups gnomAD compares: Middle Eastern, 0.082%; 1 homozygote.

Submissions (2):

CeGaT Center for Human Genetics Tuebingen
Classification: Likely benign. Last evaluated: 2026-01-01. Review status: criteria provided, single submitter. Criteria: CeGaT Center For Human Genetics Tuebingen Variant Classification Criteria Version 2. Collection method: clinical testing. Allele origin: germline. Affected: yes. Observed: 1 variant allele.
Comment: VWA3B: BP4

PreventionGenetics, part of Exact Sciences
Classification: Likely benign for VWA3B-related condition. Last evaluated: 2020-03-06. Review status: no assertion criteria provided. Collection method: clinical testing. Allele origin: germline. Not counted in ClinVar's aggregate classification.
Comment: This variant is classified as likely benign based on ACMG/AMP sequence variant interpretation guidelines (Richards et al. 2015 PMID: 25741868, with internal and published modifications).